The following is an entry in ClinVar:

ClinVar aggregate classification (germline): Likely pathogenic (1 of 4 stars; one submission).

Allele frequency attached by ClinVar (database versions not stated): gnomAD exomes below 0.00001.
gnomAD v4.1: 3 of 1,571,774 alleles (0.00019%); highest among the groups gnomAD compares: Non-Finnish European, 0.00026%; no homozygotes.

Submission:

Labcorp Genetics (formerly Invitae), Labcorp
Classification: Likely pathogenic. Last evaluated: 2021-04-02. Review status: criteria provided, single submitter. Criteria: Invitae Variant Classification Sherloc (09022015). Collection method: clinical testing. Allele origin: germline.
Comment: In summary, the currently available evidence indicates that the variant is pathogenic, but additional data are needed to prove that conclusively. Therefore, this variant has been classified as Likely Pathogenic. This variant disrupts the p.Met364 amino acid residue in GDF1. Other variant(s) that disrupt this residue have been determined to be pathogenic (PMID: 28991257, 26633542). This suggests that this residue is clinically significant, and that variants that disrupt this residue are likely to be disease-causing. Advanced modeling of protein sequence and biophysical properties (such as structural, functional, and spatial information, amino acid conservation, physicochemical variation, residue mobility, and thermodynamic stability) performed at Invitae indicates that this missense variant is expected to disrupt GDF1 protein function. This variant has not been reported in the literature in individuals with GDF1-related conditions. This variant is not present in population databases (ExAC no frequency). This sequence change replaces methionine with isoleucine at codon 364 of the GDF1 protein (p.Met364Ile). The methionine residue is highly conserved and there is a small physicochemical difference between methionine and isoleucine.

Literature cited by the submitters: PubMed 28991257; PubMed 26633542.

NM_001492.6(GDF1):c.1092G>A (p.Met364Ile)

Genes: CERS1 (ceramide synthase 1; minus strand), GDF1 (growth differentiation factor 1; minus strand). Cytogenetic location: 19p13.11.
Variant type: single nucleotide variant.
Coding change: c.1092G>A on transcript NM_001492.6 (MANE Select); coding-DNA position 1092, G replaced by A.
Protein change: p.Met364Ile; replaces methionine 364 with isoleucine.
Molecular consequence: missense variant. On other transcripts: 3 prime UTR variant (2).
Genome position (GRCh38, 1-based): chr19:18,868,624, C>T on the plus strand (G>A on the coding strand, the complement: GDF1 is on the minus strand). VCF-style: chr19-18868624-C-T. GRCh37 (hg19) VCF-style: chr19-18979433-C-T.
Other names: c.*1953G>A (NM_001387440.1); c.*1361G>A (NM_021267.5); c.1092G>A, p.Met364Ile (NM_001387438.1); short protein forms M364I.
Identifiers: ClinVar variation 1507891 (VCV001507891.8), dbSNP rs2145983859, ClinGen allele CA404861733.